The following is an entry in ClinVar:

NM_006346.4(PIBF1):c.460C>G (p.Arg154Gly)

Gene: PIBF1 (progesterone immunomodulatory binding factor 1; plus strand). Cytogenetic location: 13q21.33.
Variant type: single nucleotide variant.
Coding change: c.460C>G on transcript NM_006346.4 (MANE Select); coding-DNA position 460, C replaced by G.
Protein change: p.Arg154Gly; replaces arginine 154 with glycine.
Molecular consequence: missense variant. On other transcripts: non-coding transcript variant (2).
Genome position (GRCh38, 1-based): chr13:72,795,465, C>G. VCF-style: chr13-72795465-C-G. GRCh37 (hg19) VCF-style: chr13-73369603-C-G.
Other names: c.460C>G, p.Arg154Gly (NM_001349655.2); short protein forms R154G.
Identifiers: ClinVar variation 4750921 (VCV004750921.1).
Genomic context (GRCh38, chr13:72,795,465, plus strand): 5'-AGACAGAAACAACTAGAAGAGACAAATCTTCAGCTAAGAGAAAAAGCTGGAGATGTTCGT[C>G]GAAACCTGCGTGACTTTGAGTTGACAGAAGAGCAATATATTAAATTAAAAGCTTTTCCTG-3'
Protein context (NP_006337.2, residues 144-164): QLREKAGDVR[Arg154Gly]NLRDFELTEE

ClinVar aggregate classification (germline): Uncertain significance (1 of 4 stars; one submission).

gnomAD v4.1: 4 of 1,610,400 alleles (0.00025%); highest among the groups gnomAD compares: Non-Finnish European, 0.00034%; no homozygotes.

Submission:

Labcorp Genetics (formerly Invitae), Labcorp
Classification: Uncertain significance. Last evaluated: 2025-08-15. Review status: criteria provided, single submitter. Criteria: Invitae Variant Classification Sherloc (09022015). Collection method: clinical testing. Allele origin: germline.
Comment: This sequence change replaces arginine, which is basic and polar, with glycine, which is neutral and non-polar, at codon 154 of the PIBF1 protein (p.Arg154Gly). This variant is present in population databases (rs569734370, gnomAD 0.002%). This variant has not been reported in the literature in individuals affected with PIBF1-related conditions. Invitae Evidence Modeling of protein sequence and biophysical properties (such as structural, functional, and spatial information, amino acid conservation, physicochemical variation, residue mobility, and thermodynamic stability) indicates that this missense variant is expected to disrupt PIBF1 protein function with a positive predictive value of 80%. In summary, the available evidence is currently insufficient to determine the role of this variant in disease. Therefore, it has been classified as a Variant of Uncertain Significance.